The following is an entry in ClinVar:

ClinVar aggregate classification (germline): Conflicting classifications of pathogenicity. Review status: criteria provided, conflicting classifications (1 of 4 stars). 2 submissions from 2 submitters: Pathogenic (1); Uncertain significance (1). Last evaluated 2024-07-20.

Conditions:
Malignant hyperthermia, susceptibility to, 1 (MHS1). Also called: Anesthesia related hyperthermia; Malignant hyperpyrexia; Fulminating hyperpyrexia; Pharmacogenic myopathy; RYR1-Related Malignant Hyperthermia Susceptibility; Malignant hyperthermia suceptibility 1. Identifiers: Orphanet 423, MedGen C2930980, MONDO:0007783, OMIM 145600.
RYR1-related disorder. Also called: RYR1-related condition; RYR1-related disorders. Identifiers: MedGen CN239331.

Submissions (2):

All of Us Research Program, National Institutes of Health
Classification: Uncertain significance for Malignant hyperthermia, susceptibility to, 1. Last evaluated: 2024-07-20. Review status: criteria provided, single submitter. Criteria: ACMG Guidelines, 2015. Collection method: clinical testing. Allele origin: germline. Inheritance: Autosomal dominant inheritance. Observed: 1 variant allele, 1 heterozygote.
Comment: This variant deletes 4 nucleotides in exon 38of the RYR1 gene, creating a frameshift and premature translation stop signal. This variant is expected to result in an absent or non-functional protein product. This variant has not been reported in individuals affected with autosomal dominant malignant hyperthermia in the literature, although it is associated with other phenotype(s) (ClinVar variation ID: 2821691). This variant has not been identified in the general population by the Genome Aggregation Database (gnomAD). Due to insufficient evidence, this variant is classified as a Variant of Uncertain Significance for autosomal dominant malignant hyperthermia.

This study involves interpretation of variants in research participants for the purpose of population health screening. Participant phenotype was not available at the time of variant classification. Additional details can be found in publication PMID: 35346344, PMCID: PMC8962531

Labcorp Genetics (formerly Invitae), Labcorp
Classification: Pathogenic for RYR1-related disorder. Last evaluated: 2023-10-18. Review status: criteria provided, single submitter. Criteria: Invitae Variant Classification Sherloc (09022015). Collection method: clinical testing. Allele origin: germline.
Comment: This sequence change creates a premature translational stop signal (p.Glu2077Argfs*76) in the RYR1 gene. It is expected to result in an absent or disrupted protein product. Loss-of-function variants in RYR1 are known to be pathogenic (PMID: 23919265, 25960145, 28818389, 30611313). This variant is not present in population databases (gnomAD no frequency). This variant has not been reported in the literature in individuals affected with RYR1-related conditions. For these reasons, this variant has been classified as Pathogenic.

Literature cited by the submitters: PubMed 23919265 (cited by Labcorp Genetics (formerly Invitae), Labcorp); PubMed 25960145 (cited by Labcorp Genetics (formerly Invitae), Labcorp); PubMed 28818389 (cited by Labcorp Genetics (formerly Invitae), Labcorp); PubMed 30611313 (cited by Labcorp Genetics (formerly Invitae), Labcorp).

NM_000540.3(RYR1):c.6229_6232del (p.Glu2077fs)

Gene: RYR1 (ryanodine receptor 1; plus strand). Cytogenetic location: 19q13.2.
Variant type: Microsatellite.
Coding change: c.6229_6232del on transcript NM_000540.3 (MANE Select); coding-DNA positions 6229 to 6232, 4 bases deleted (GAAG; older notation c.6229_6232delGAAG).
Protein change: p.Glu2077fs; shifts the reading frame from glutamic acid 2077.
Molecular consequence: frameshift variant.
Genome position (GRCh38, 1-based): chr19:38,492,591-38,492,594, GAAG deleted; deleting any 4 consecutive bases within chr19:38,492,587-38,492,594 gives the same sequence; the c. name uses the placement nearest the transcript's 3' end. VCF-style (leftmost placement, unchanged base first): chr19-38492586-AGAAG-A. GRCh37 (hg19) VCF-style: chr19-38983226-AGAAG-A.
Other names: c.6229_6232del, p.Glu2077fs (NM_001042723.2); short protein forms E2077fs.
Identifiers: ClinVar variation 2821691 (VCV002821691.4), dbSNP rs2514265191, ClinGen allele CA2739276703.
Genomic context (GRCh38, chr19:38,492,586, plus strand): 5'-AAGAGACCACCCTGGGCAGCCGCCTCATGAGCCTGTTGGAGAAAGTGCGGCTGGTGAAGA[AGAAG>A]GAAGAGAAACCTGAGGAGGAGCGGTCAGCAGAGGAGAGCAAACCCCGTGAGGACTGGGGT-3'